The following is an entry in ClinVar:

ClinVar aggregate classification (germline): Pathogenic (1 of 4 stars; one submission).

Conditions:
Aicardi-Goutieres syndrome 4. Identifiers: Orphanet 51, MedGen C1835912, MONDO:0012472, OMIM 610333.

Submission:

Labcorp Genetics (formerly Invitae), Labcorp
Classification: Pathogenic for Aicardi-Goutieres syndrome 4. Last evaluated: 2023-11-12. Review status: criteria provided, single submitter. Criteria: Invitae Variant Classification Sherloc (09022015). Collection method: clinical testing. Allele origin: germline.
Comment: This sequence change creates a premature translational stop signal (p.Pro158Serfs*4) in the RNASEH2A gene. It is expected to result in an absent or disrupted protein product. Loss-of-function variants in RNASEH2A are known to be pathogenic (PMID: 21454563, 25274781). This variant is not present in population databases (gnomAD no frequency). This variant has not been reported in the literature in individuals affected with RNASEH2A-related conditions. For these reasons, this variant has been classified as Pathogenic.

Literature cited by the submitters: PubMed 21454563; PubMed 25274781.

NM_006397.3(RNASEH2A):c.471dup (p.Pro158fs)

Gene: RNASEH2A (ribonuclease H2 subunit A; plus strand). Cytogenetic location: 19p13.13.
Variant type: Duplication.
Coding change: c.471dup on transcript NM_006397.3 (MANE Select); coding-DNA position 471, one base duplicated (T; older notation c.471dupT).
Protein change: p.Pro158fs; shifts the reading frame from proline 158.
Molecular consequence: frameshift variant.
Genome position (GRCh38, 1-based): chr19:12,810,130, T duplicated; the last of 4 consecutive T bases (chr19:12,810,127-12,810,130); duplicating any one gives the same sequence. VCF-style (leftmost placement, unchanged base first): chr19-12810126-G-GT. GRCh37 (hg19) VCF-style: chr19-12920940-G-GT.
Other names: short protein forms P158fs.
Identifiers: ClinVar variation 2837059 (VCV002837059.3), dbSNP rs2512892954, ClinGen allele CA2739276510.